The following is an entry in ClinVar:

ClinVar aggregate classification (germline): Benign/Likely benign. Review status: criteria provided, multiple submitters, no conflicts (2 of 4 stars). 3 submissions from 3 submitters: Benign (1); Likely benign (2). Last evaluated 2024-09-12.

Conditions:
Hereditary cancer-predisposing syndrome. Also called: Hereditary neoplastic syndrome; Neoplastic Syndromes, Hereditary; Tumor predisposition; Hereditary Cancer Syndrome. Identifiers: Orphanet 140162, MedGen C0027672, MeSH D009386, MONDO:0015356.
Hereditary diffuse gastric adenocarcinoma (HDGC). Also called: DIFFUSE GASTRIC AND LOBULAR BREAST CANCER SYNDROME. Identifiers: Orphanet 26106, MedGen C1708349, MONDO:0007648, OMIM 137215.

Submissions (3):

Myriad Genetics, Inc.
Classification: Benign for Hereditary diffuse gastric adenocarcinoma. Last evaluated: 2024-09-12. Review status: criteria provided, single submitter. Criteria: Myriad Autosomal Dominant, Autosomal Recessive and X-Linked Classification Criteria (2023). Collection method: clinical testing. Allele origin: unknown.
Comment: This variant is considered benign. This variant is a silent/synonymous amino acid change and it is not expected to impact splicing.

Labcorp Genetics (formerly Invitae), Labcorp
Classification: Likely benign for Hereditary diffuse gastric adenocarcinoma. Last evaluated: 2020-04-18. Review status: criteria provided, single submitter. Criteria: Invitae Variant Classification Sherloc (09022015). Collection method: clinical testing. Allele origin: germline.

Ambry Genetics
Classification: Likely benign for Hereditary cancer-predisposing syndrome. Last evaluated: 2016-08-12. Review status: criteria provided, single submitter. Criteria: Ambry Variant Classification Scheme 2023. Collection method: clinical testing. Allele origin: germline.

NM_004360.5(CDH1):c.213C>G (p.Leu71=)

Gene: CDH1 (cadherin 1; plus strand). Cytogenetic location: 16q22.1.
Variant type: single nucleotide variant.
Coding change: c.213C>G on transcript NM_004360.5 (MANE Select); coding-DNA position 213, C replaced by G.
Protein change: p.Leu71=; no amino-acid change (leucine 71 retained).
Molecular consequence: synonymous variant. On other transcripts: 5 prime UTR variant (2).
Genome position (GRCh38, 1-based): chr16:68,801,719, C>G. VCF-style: chr16-68801719-C-G. GRCh37 (hg19) VCF-style: chr16-68835622-C-G.
Other names: c.213C>G (LRG_301t1); c.213C>G, p.Leu71= (NM_001317184.2); c.-1403C>G (NM_001317185.2); c.-1607C>G (NM_001317186.2).
Identifiers: ClinVar variation 481694 (VCV000481694.15), dbSNP rs376667778, ClinGen allele CA496152616.